The following is an entry in ClinVar:

NM_001376.5(DYNC1H1):c.7158G>C (p.Pro2386=)

Gene: DYNC1H1 (dynein cytoplasmic 1 heavy chain 1; plus strand). Cytogenetic location: 14q32.31.
Variant type: single nucleotide variant.
Coding change: c.7158G>C on transcript NM_001376.5 (MANE Select); coding-DNA position 7158, G replaced by C.
Protein change: p.Pro2386=; no amino-acid change (proline 2386 retained).
Molecular consequence: synonymous variant.
Genome position (GRCh38, 1-based): chr14:102,015,248, G>C. VCF-style: chr14-102015248-G-C. GRCh37 (hg19) VCF-style: chr14-102481585-G-C.
Identifiers: ClinVar variation 1161494 (VCV001161494.22), dbSNP rs773186619, ClinGen allele CA487972575.

ClinVar aggregate classification (germline): Likely benign. Review status: criteria provided, multiple submitters, no conflicts (2 of 4 stars). 2 submissions from 2 submitters: Likely benign (2). Last evaluated 2025-01-01.

Conditions:
Charcot-Marie-Tooth disease axonal type 2O. Also called: Charcot-Marie-Tooth disease, axonal, type 20; CHARCOT-MARIE-TOOTH NEUROPATHY, AXONAL, TYPE 2O; CHARCOT-MARIE-TOOTH DISEASE, AXONAL, AUTOSOMAL DOMINANT, TYPE 2O; Charcot-Marie-Tooth Neuropathy Type 2O. Identifiers: Orphanet 284232, MedGen C3280220, MONDO:0013644, OMIM 614228.

gnomAD v4.1: 4 of 1,614,204 alleles (0.00025%); highest among the groups gnomAD compares: Non-Finnish European, 0.00025%; no homozygotes.

Submissions (2):

CeGaT Center for Human Genetics Tuebingen
Classification: Likely benign. Last evaluated: 2025-01-01. Review status: criteria provided, single submitter. Criteria: CeGaT Center For Human Genetics Tuebingen Variant Classification Criteria Version 2. Collection method: clinical testing. Allele origin: germline. Affected: yes. Observed: 1 variant allele.
Comment: DYNC1H1: BP4, BP7

Labcorp Genetics (formerly Invitae), Labcorp
Classification: Likely benign for Charcot-Marie-Tooth disease axonal type 2O. Last evaluated: 2020-07-17. Review status: criteria provided, single submitter. Criteria: Invitae Variant Classification Sherloc (09022015). Collection method: clinical testing. Allele origin: germline.